The following is an entry in ClinVar:

NM_138387.4(G6PC3):c.887C>T (p.Pro296Leu)

Gene: G6PC3 (glucose-6-phosphatase catalytic subunit 3; plus strand). Cytogenetic location: 17q21.31.
Variant type: single nucleotide variant.
Coding change: c.887C>T on transcript NM_138387.4 (MANE Select); coding-DNA position 887, C replaced by T.
Protein change: p.Pro296Leu; replaces proline 296 with leucine.
Molecular consequence: missense variant. On other transcripts: 3 prime UTR variant (1).
Genome position (GRCh38, 1-based): chr17:44,075,889, C>T. VCF-style: chr17-44075889-C-T. GRCh37 (hg19) VCF-style: chr17-42153257-C-T.
Other names: c.*180C>T (NM_001319945.2); c.542C>T, p.Pro181Leu (NM_001384165.1, NM_001384166.1, NM_001384167.1 and 1 more transcripts); short protein forms P296L, P181L.
Identifiers: ClinVar variation 945932 (VCV000945932.11), dbSNP rs779143230, ClinGen allele CA8596169.

ClinVar aggregate classification (germline): Uncertain significance. Review status: criteria provided, multiple submitters, no conflicts (2 of 4 stars). 2 submissions from 2 submitters: Uncertain significance (2). Last evaluated 2025-07-31.

Conditions:
Inborn genetic diseases. Identifiers: MedGen C0950123, MeSH D030342.
Autosomal recessive severe congenital neutropenia due to G6PC3 deficiency. Also called: G6PC3 Deficiency; NEUTROPENIA, SEVERE CONGENITAL, 4, AUTOSOMAL RECESSIVE. Identifiers: Orphanet 331176, MedGen C2751630, MONDO:0012930, OMIM 612541.

Allele frequency attached by ClinVar (database versions not stated): gnomAD exomes 0.00001 and 0.00003; TOPMed below 0.00001; ExAC 0.00002; gnomAD 0.00001.
gnomAD v4.1: 43 of 1,612,702 alleles (0.0027%); highest among the groups gnomAD compares: Non-Finnish European, 0.0034%; no homozygotes.

Submissions (2):

Labcorp Genetics (formerly Invitae), Labcorp
Classification: Uncertain significance for Autosomal recessive severe congenital neutropenia due to G6PC3 deficiency. Last evaluated: 2025-07-31. Review status: criteria provided, single submitter. Criteria: Invitae Variant Classification Sherloc (09022015). Collection method: clinical testing. Allele origin: germline.
Comment: This sequence change replaces proline, which is neutral and non-polar, with leucine, which is neutral and non-polar, at codon 296 of the G6PC3 protein (p.Pro296Leu). This variant is present in population databases (rs779143230, gnomAD 0.003%). This variant has not been reported in the literature in individuals affected with G6PC3-related conditions. ClinVar contains an entry for this variant (Variation ID: 945932). Invitae Evidence Modeling of protein sequence and biophysical properties (such as structural, functional, and spatial information, amino acid conservation, physicochemical variation, residue mobility, and thermodynamic stability) indicates that this missense variant is not expected to disrupt G6PC3 protein function with a negative predictive value of 95%. In summary, the available evidence is currently insufficient to determine the role of this variant in disease. Therefore, it has been classified as a Variant of Uncertain Significance.

Ambry Genetics
Classification: Uncertain significance for Inborn genetic diseases. Last evaluated: 2024-12-10. Review status: criteria provided, single submitter. Criteria: Ambry Variant Classification Scheme 2023. Collection method: clinical testing. Allele origin: germline.
Comment: The p.P296L variant (also known as c.887C>T), located in coding exon 6 of the G6PC3 gene, results from a C to T substitution at nucleotide position 887. The proline at codon 296 is replaced by leucine, an amino acid with similar properties. This amino acid position is conserved. In addition, this alteration is predicted to be tolerated by in silico analysis. Based on the available evidence, the clinical significance of this variant remains unclear.